The following is an entry in ClinVar:

NM_172107.4(KCNQ2):c.888C>T (p.Thr296=)

Gene: KCNQ2 (potassium voltage-gated channel subfamily Q member 2; minus strand). Cytogenetic location: 20q13.33.
Variant type: single nucleotide variant.
Coding change: c.888C>T on transcript NM_172107.4 (MANE Select); coding-DNA position 888, C replaced by T.
Protein change: p.Thr296=; no amino-acid change (threonine 296 retained).
Molecular consequence: synonymous variant.
Genome position (GRCh38, 1-based): chr20:63,439,637, G>A on the plus strand (C>T on the coding strand, the complement: KCNQ2 is on the minus strand). VCF-style: chr20-63439637-G-A. GRCh37 (hg19) VCF-style: chr20-62070990-G-A.
Other names: p.T296T:ACC>ACT; c.888C>T, p.Thr296= (NM_004518.6, NM_172106.3, NM_172108.5 and 1 more transcripts); c.888C>T (NM_172107.3).
Identifiers: ClinVar variation 138017 (VCV000138017.18), dbSNP rs370760854, ClinGen allele CA291788.
Genomic context (GRCh38, chr20:63,439,637, plus strand): 5'-GGCAGGGGCAGCTGGACTTACTGCAGGCAGCGCGAAGAAGGAGACACCGATGAGGGTGAA[G>A]GTTGCCGCAAGGAGCCTGCCGTTCCAGGTCTGGGGGTACTTGTCCCCGTAGCCAATGGTG-3'
Protein context (NP_742105.1, residues 286-306): QTWNGRLLAA[Thr296=]FTLIGVSFFA

ClinVar aggregate classification (germline): Benign. Review status: criteria provided, multiple submitters, no conflicts (2 of 4 stars). 4 submissions from 4 submitters: Benign (4). Last evaluated 2026-01-31.

Conditions:
Early-infantile DEE. Also called: Early infantile epileptic encephalopathy; Ohtahara syndrome; Early infantile epileptic encephalopathy with suppression bursts. Identifiers: Orphanet 1934, MedGen C0393706, MONDO:0800491.
Inborn genetic diseases. Identifiers: MedGen C0950123, MeSH D030342.
KCNQ2-Related Disorders. Also called: KCNQ2-related condition; KCNQ2-related disorder. Identifiers: MedGen CN169299.

Allele frequency attached by ClinVar (database versions not stated): gnomAD 0.00001 and 0.00049; ESP Exome Variant Server 0.00008; TOPMed 0.00012; gnomAD exomes 0.00098 and 0.00207; ExAC 0.00238; 1000 Genomes Project 30x 0.00453; 1000 Genomes Project 0.00519.
gnomAD v4.1: 1,518 of 1,613,724 alleles (0.094%); highest among the groups gnomAD compares: South Asian, 1.6%; 34 homozygotes.

Submissions (4):

Labcorp Genetics (formerly Invitae), Labcorp
Classification: Benign for Early-infantile DEE. Last evaluated: 2026-01-31. Review status: criteria provided, single submitter. Criteria: Invitae Variant Classification Sherloc (09022015). Collection method: clinical testing. Allele origin: germline.

PreventionGenetics, part of Exact Sciences
Classification: Benign for KCNQ2-related condition. Last evaluated: 2025-07-05. Review status: criteria provided, single submitter. Criteria: ACMG Guidelines, 2015. Collection method: clinical testing. Allele origin: germline.
Comment: This variant is classified as benign based on ACMG/AMP sequence variant interpretation guidelines (Richards et al. 2015 PMID: 25741868, with internal and published modifications).

Ambry Genetics
Classification: Benign for Inborn genetic diseases. Last evaluated: 2016-08-12. Review status: criteria provided, single submitter. Criteria: Ambry Variant Classification Scheme 2023. Collection method: clinical testing. Allele origin: germline.

GeneDx
Classification: Benign. Last evaluated: 2013-03-26. Review status: criteria provided, single submitter. Criteria: GeneDx Variant Classification (06012015). Collection method: clinical testing. Allele origin: germline. Affected: yes.
Comment: This variant is considered likely benign or benign based on one or more of the following criteria: it is a conservative change, it occurs at a poorly conserved position in the protein, it is predicted to be benign by multiple in silico algorithms, and/or has population frequency not consistent with disease.